The following is an entry in ClinVar:

ClinVar aggregate classification (germline): Likely benign (0 of 4 stars; one submission).

Conditions:
CNKSR2-related disorder. Also called: CNKSR2-related condition.

gnomAD v4.1: 194 of 1,166,404 alleles (0.017%); highest among the groups gnomAD compares: East Asian, 0.58%; 3 homozygotes.

Submission:

PreventionGenetics, part of Exact Sciences
Classification: Likely benign for CNKSR2-related condition. Last evaluated: 2024-06-02. Review status: no assertion criteria provided. Collection method: clinical testing. Allele origin: germline.
Comment: This variant is classified as likely benign based on ACMG/AMP sequence variant interpretation guidelines (Richards et al. 2015 PMID: 25741868, with internal and published modifications).

NM_014927.5(CNKSR2):c.2019A>G (p.Glu673=)

Gene: CNKSR2 (connector enhancer of kinase suppressor of Ras 2; plus strand). Cytogenetic location: Xp22.12.
Variant type: single nucleotide variant.
Coding change: c.2019A>G on transcript NM_014927.5 (MANE Select); coding-DNA position 2019, A replaced by G.
Protein change: p.Glu673=; no amino-acid change (glutamic acid 673 retained).
Molecular consequence: synonymous variant.
Genome position (GRCh38, 1-based): chrX:21,601,324, A>G. VCF-style: chrX-21601324-A-G. GRCh37 (hg19) VCF-style: chrX-21619442-A-G.
Other names: c.1929A>G, p.Glu643= (NM_001168647.3, NM_001330773.2); c.2019A>G, p.Glu673= (NM_001168648.3); c.1872A>G, p.Glu624= (NM_001168649.3, NM_001330770.2); c.1782A>G, p.Glu594= (NM_001330771.2, NM_001330772.2).
Identifiers: ClinVar variation 3351815 (VCV003351815.1).
Genomic context (GRCh38, chrX:21,601,324, plus strand): 5'-TAATATTTGTTTTCTCAGGTGGCTTAACAGAATTAATATGCTGACTGCAGGATATGCAGA[A>G]AGAGAGAGGATTAAGCAGGAACAAGGTAAAGGAATACTTTTTTAAAATAATTATGTTATA-3'
Protein context (NP_055742.2, residues 663-683): RINMLTAGYA[Glu673=]RERIKQEQDY